The following is an entry in ClinVar:

ClinVar aggregate classification (germline): Uncertain significance. Review status: criteria provided, multiple submitters, no conflicts (2 of 4 stars). 2 submissions from 2 submitters: Uncertain significance (2). Last evaluated 2025-06-23.

Conditions:
Primary dilated cardiomyopathy (DCM). Also called: Dilated Cardiomyopathy. Identifiers: Orphanet 217604, MedGen C0007193, MeSH D002311, MONDO:0005021, HP:0001644. Inheritance: Various modes of inheritance.

Allele frequency attached by ClinVar (database versions not stated): TOPMed 0.00002; ExAC 0.00003; gnomAD exomes 0.00003; gnomAD 0.00006.
gnomAD v4.1: 47 of 1,605,614 alleles (0.0029%); highest among the groups gnomAD compares: Non-Finnish European, 0.0037%; no homozygotes.

Submissions (2):

Women's Health and Genetics/Laboratory Corporation of America, LabCorp
Classification: Uncertain significance. Last evaluated: 2025-06-23. Review status: criteria provided, single submitter. Criteria: LabCorp Variant Classification Summary - May 2015. Collection method: clinical testing. Allele origin: germline.
Comment: Variant summary: NEBL c.1258A>G (p.Ile420Val) results in a conservative amino acid change in the encoded protein sequence. Algorithms developed to predict the effect of missense changes on protein structure and function are either unavailable or do not agree on the potential impact of this missense change. The variant allele was found at a frequency of 2.8e-05 in 249010 control chromosomes (gnomAD). The available data on variant occurrences in the general population are insufficient to allow any conclusion about variant significance. c.1258A>G has been observed in an individual affected with Dilated Cardiomyopathy who also had a pathogenic TTN variant (Minoche_2019). This report does not provide unequivocal conclusions about association of the variant with Dilated Cardiomyopathy. To our knowledge, no experimental evidence demonstrating an impact on protein function has been reported. The following publication has been ascertained in the context of this evaluation (PMID: 29961767). ClinVar contains an entry for this variant (Variation ID: 524920). Based on the evidence outlined above, the variant was classified as uncertain significance.

Labcorp Genetics (formerly Invitae), Labcorp
Classification: Uncertain significance for Primary dilated cardiomyopathy. Last evaluated: 2025-03-30. Review status: criteria provided, single submitter. Criteria: Invitae Variant Classification Sherloc (09022015). Collection method: clinical testing. Allele origin: germline.
Comment: This sequence change replaces isoleucine, which is neutral and non-polar, with valine, which is neutral and non-polar, at codon 420 of the NEBL protein (p.Ile420Val). This variant is present in population databases (rs761905318, gnomAD 0.006%). This variant has not been reported in the literature in individuals affected with NEBL-related conditions. ClinVar contains an entry for this variant (Variation ID: 524920). An algorithm developed to predict the effect of missense changes on protein structure and function (PolyPhen-2) suggests that this variant is likely to be tolerated. In summary, the available evidence is currently insufficient to determine the role of this variant in disease. Therefore, it has been classified as a Variant of Uncertain Significance.

Literature cited by the submitters: PubMed 29961767 (cited by Women's Health and Genetics/Laboratory Corporation of America, LabCorp).

NM_006393.3(NEBL):c.1258A>G (p.Ile420Val)

Gene: NEBL (nebulette; minus strand). Cytogenetic location: 10p12.31.
Variant type: single nucleotide variant.
Coding change: c.1258A>G on transcript NM_006393.3 (MANE Select); coding-DNA position 1258, A replaced by G.
Protein change: p.Ile420Val; replaces isoleucine 420 with valine.
Molecular consequence: missense variant. On other transcripts: intron variant (9).
Genome position (GRCh38, 1-based): chr10:20,840,819, T>C on the plus strand (A>G on the coding strand, the complement: NEBL is on the minus strand). VCF-style: chr10-20840819-T-C. GRCh37 (hg19) VCF-style: chr10-21129748-T-C.
Other names: c.250-27879A>G (NM_001377326.1, NM_001377327.1, NM_001377328.1); c.358-27879A>G (NM_213569.2, NM_001173484.2, NM_001377322.1); c.301-27879A>G (NM_001377324.1); c.292-27879A>G (NM_001377325.1); c.310-27879A>G (NM_001377323.1); short protein forms I420V.
Identifiers: ClinVar variation 524920 (VCV000524920.10), dbSNP rs761905318, ClinGen allele CA5432929.